The following is an entry in ClinVar:

ClinVar aggregate classification (germline): Uncertain significance (1 of 4 stars; one submission).

Conditions:
O'Donnell-Luria-Rodan syndrome (ODLURO). Also called: KMT2E-Related Neurodevelopmental Disorder. Identifiers: MedGen C5193138, MONDO:0032793, OMIM 618512.

Submission:

3billion
Classification: Uncertain significance for O'Donnell-Luria-Rodan syndrome. Last evaluated: 2024-06-12. Review status: criteria provided, single submitter. Criteria: ACMG Guidelines, 2015. Collection method: clinical testing. Allele origin: germline. Affected: yes.
Comment: The variant is not observed in the gnomAD v4.0.0 dataset. Predicted Consequence/Location: Inframe insertion located in a nonrepeat region: predicted to change the length of the protein and disrupt normal protein function. Therefore, this variant is classified as VUS according to the recommendation of ACMG/AMP guideline.

NM_182931.3(KMT2E):c.5091_5147dup (p.Pro1716_Pro1717insThrGlyLeuGlnGlyLeuGlnAlaGlnHisGlnHisValValAsnSerAlaProPro)

Gene: KMT2E (lysine methyltransferase 2E (inactive); plus strand). Cytogenetic location: 7q22.3.
Variant type: Duplication.
Coding change: c.5091_5147dup on transcript NM_182931.3 (MANE Select); coding-DNA positions 5091 to 5147, 57 bases duplicated.
Protein change: p.Pro1716_Pro1717insThrGlyLeuGlnGlyLeuGlnAlaGlnHisGlnHisValValAsnSerAlaProPro.
Molecular consequence: inframe insertion.
Genome position (GRCh38, 1-based): chr7:105,112,847-105,112,903, 57 bases duplicated. GRCh37 (hg19): chr7:104,753,294-104,753,350.
Other names: c.4965_5021dup, p.Pro1674_Pro1675insThrGlyLeuGlnGlyLeuGlnAlaGlnHisGlnHisValValAsnSerAlaProPro (NM_001410908.1); c.5091_5147dup, p.Pro1716_Pro1717insThrGlyLeuGlnGlyLeuGlnAlaGlnHisGlnHisValValAsnSerAlaProPro (NM_018682.4).
Identifiers: ClinVar variation 4292075 (VCV004292075.1).